The following is an entry in ClinVar:

NM_001111.5(ADAR):c.1700C>A (p.Thr567Lys)

Gene: ADAR (adenosine deaminase RNA specific; minus strand). Cytogenetic location: 1q21.3.
Variant type: single nucleotide variant.
Coding change: c.1700C>A on transcript NM_001111.5 (MANE Select); coding-DNA position 1700, C replaced by A.
Protein change: p.Thr567Lys; replaces threonine 567 with lysine.
Molecular consequence: missense variant.
Genome position (GRCh38, 1-based): chr1:154,598,487, G>T on the plus strand (C>A on the coding strand, the complement: ADAR is on the minus strand). VCF-style: chr1-154598487-G-T. GRCh37 (hg19) VCF-style: chr1-154570963-G-T.
Other names: c.815C>A, p.Thr272Lys (NM_001025107.3, NM_001193495.2, NM_001365046.1 and 3 more transcripts); c.1727C>A, p.Thr576Lys (NM_001365045.1); c.1700C>A, p.Thr567Lys (NM_015840.4, NM_015841.4); c.1700C>A (NM_001111.4); short protein forms T576K, T272K, T567K.
Identifiers: ClinVar variation 1043921 (VCV001043921.9), dbSNP rs1205545887, ClinGen allele CA342639529.

ClinVar aggregate classification (germline): Uncertain significance. Review status: criteria provided, multiple submitters, no conflicts (2 of 4 stars). 2 submissions from 2 submitters: Uncertain significance (2). Last evaluated 2023-11-27.

Conditions:
Inborn genetic diseases. Identifiers: MedGen C0950123, MeSH D030342.
Symmetrical dyschromatosis of extremities (DSH). Also called: RETICULATE ACROPIGMENTATION OF DOHI; SYMMETRIC DYSCHROMATOSIS OF THE EXTREMITIES; DYSCHROMATOSIS SYMMETRICA HEREDITARIA 1; Dyschromatosis symmetrica hereditaria. Identifiers: Orphanet 41, MedGen C0406775, MONDO:0007483, OMIM 127400.
Aicardi-Goutieres syndrome 6 (AGS6). Identifiers: Orphanet 51, MedGen C3539013, MONDO:0014007, OMIM 615010.

Submissions (2):

Ambry Genetics
Classification: Uncertain significance for Inborn genetic diseases. Last evaluated: 2023-11-27. Review status: criteria provided, single submitter. Criteria: Ambry Variant Classification Scheme 2023. Collection method: clinical testing. Allele origin: germline.

Labcorp Genetics (formerly Invitae), Labcorp
Classification: Uncertain significance for Aicardi-Goutieres syndrome 6; Symmetrical dyschromatosis of extremities. Last evaluated: 2020-03-07. Review status: criteria provided, single submitter. Criteria: Invitae Variant Classification Sherloc (09022015). Collection method: clinical testing. Allele origin: germline.
Comment: This sequence change replaces threonine with lysine at codon 567 of the ADAR protein (p.Thr567Lys). The threonine residue is weakly conserved and there is a moderate physicochemical difference between threonine and lysine. This variant is not present in population databases (ExAC no frequency). This variant has not been reported in the literature in individuals with ADAR-related conditions. Algorithms developed to predict the effect of missense changes on protein structure and function (SIFT, PolyPhen-2, Align-GVGD) all suggest that this variant is likely to be tolerated, but these predictions have not been confirmed by published functional studies and their clinical significance is uncertain. In summary, the available evidence is currently insufficient to determine the role of this variant in disease. Therefore, it has been classified as a Variant of Uncertain Significance.